The following is an entry in ClinVar:

ClinVar aggregate classification (germline): Pathogenic/Likely pathogenic. Review status: criteria provided, multiple submitters, no conflicts (2 of 4 stars). 4 submissions from 4 submitters: Pathogenic (2); Likely pathogenic (2). Last evaluated 2026-01-22.

Conditions:
Retinitis pigmentosa 25 (RP25). Identifiers: Orphanet 791, MedGen C1864446, MONDO:0011272, OMIM 602772.

Submissions (4):

Natera, Inc.
Classification: Likely pathogenic for Retinitis pigmentosa type 25. Last evaluated: 2026-01-22. Review status: criteria provided, single submitter. Criteria: Natera Variant Classification Schema (03/2026). Collection method: clinical testing. Allele origin: germline.
Comment: The c.4321C>T variant in EYS is a nonsense variant predicted to introduce a stop codon at amino acid 1441. This variant is expected to result in nonsense mediated decay, truncation, or a dysfunctional protein product. This variant is rare in the general population with a frequency below the threshold expected for the associated phenotype(s). Given the available evidence, this variant is classified as Likely Pathogenic.

Baylor Genetics
Classification: Likely pathogenic for Retinitis pigmentosa 25. Last evaluated: 2023-08-27. Review status: criteria provided, single submitter. Criteria: ACMG Guidelines, 2015. Collection method: clinical testing. Allele origin: unknown.

Labcorp Genetics (formerly Invitae), Labcorp
Classification: Pathogenic. Last evaluated: 2022-08-05. Review status: criteria provided, single submitter. Criteria: Invitae Variant Classification Sherloc (09022015). Collection method: clinical testing. Allele origin: germline.
Comment: Algorithms developed to predict the effect of sequence changes on RNA splicing suggest that this variant may create or strengthen a splice site. This sequence change creates a premature translational stop signal (p.Gln1441*) in the EYS gene. It is expected to result in an absent or disrupted protein product. Loss-of-function variants in EYS are known to be pathogenic (PMID: 18836446, 20333770). This variant is not present in population databases (gnomAD no frequency). This variant has not been reported in the literature in individuals affected with EYS-related conditions. ClinVar contains an entry for this variant (Variation ID: 965060). For these reasons, this variant has been classified as Pathogenic.

Juno Genomics, Hangzhou Juno Genomics, Inc
Classification: Pathogenic for Retinitis pigmentosa 25. Review status: criteria provided, single submitter. Criteria: ACMG Guidelines, 2015. Collection method: clinical testing. Allele origin: germline. Affected: yes.
Comment: Absent from controls (or at extremely low frequency if recessive) in Genome Aggregation Database, Exome Sequencing Project, 1000 Genomes Project, or Exome Aggregation Consortium.;Null variant in a gene where loss of function (LOF) is a known mechanism of disease.;Patient's phenotype or family history is highly specific for a disease with a single genetic etiology.

Literature cited by the submitters: PubMed 18836446 (cited by Labcorp Genetics (formerly Invitae), Labcorp); PubMed 20333770 (cited by Labcorp Genetics (formerly Invitae), Labcorp).

NM_001142800.2(EYS):c.4321C>T (p.Gln1441Ter)

Gene: EYS (EGF-like photoreceptor maintenance factor; minus strand). Cytogenetic location: 6q12.
Variant type: single nucleotide variant.
Coding change: c.4321C>T on transcript NM_001142800.2 (MANE Select); coding-DNA position 4321, C replaced by T.
Protein change: p.Gln1441Ter; replaces glutamine 1441 with a stop codon.
Molecular consequence: nonsense.
Genome position (GRCh38, 1-based): chr6:64,591,546, G>A on the plus strand (C>T on the coding strand, the complement: EYS is on the minus strand). VCF-style: chr6-64591546-G-A. GRCh37 (hg19) VCF-style: chr6-65301439-G-A.
Other names: c.4321C>T, p.Gln1441Ter (NM_001292009.2); short protein forms Q1441*.
Identifiers: ClinVar variation 965060 (VCV000965060.11), dbSNP rs1766410692, ClinGen allele CA364783571.